The following is an entry in ClinVar:

ClinVar aggregate classification (germline): Uncertain significance. Review status: criteria provided, multiple submitters, no conflicts (2 of 4 stars). 5 submissions from 5 submitters: Uncertain significance (4). 1 of the submissions does not count toward it. Last evaluated 2025-02-21.

Conditions:
Endometrial carcinoma. Also called: Endometrial carcinoma, somatic. Identifiers: MedGen C0476089, MONDO:0002447, OMIM 608089, HP:0012114.
Hereditary nonpolyposis colorectal neoplasms. Identifiers: MedGen C0009405, MeSH D003123.
Hereditary cancer-predisposing syndrome. Also called: Tumor predisposition; Hereditary Cancer Syndrome; Hereditary neoplastic syndrome; Neoplastic Syndromes, Hereditary. Identifiers: Orphanet 140162, MedGen C0027672, MeSH D009386, MONDO:0015356.

Allele frequency attached by ClinVar (database versions not stated): gnomAD exomes 0.00001; TOPMed 0.00001.

Submissions (5):

Ambry Genetics
Classification: Uncertain significance for Hereditary cancer-predisposing syndrome. Last evaluated: 2025-02-21. Review status: criteria provided, single submitter. Criteria: Ambry Variant Classification Scheme 2023. Collection method: clinical testing. Allele origin: germline.
Comment: The c.3438+2dupT intronic variant results from a duplication of a single nucleotide two nucleotides after coding exon 5 of the MSH6 gene. This alteration has been reported in the literature (designated as c.3438+2_3438+3insT) as a germline mutation in a family from the United States (Baglietto L et al, J. Natl. Cancer Inst. 2010 Feb; 102(3):193-201). In silico splice site analysis predicts that this alteration may weaken the native splice donor site; however, direct evidence is insufficient at this time (Ambry internal data). Since supporting evidence is limited at this time, the clinical significance of this alteration remains unclear.

Labcorp Genetics (formerly Invitae), Labcorp
Classification: Uncertain significance for Hereditary nonpolyposis colorectal neoplasms. Last evaluated: 2024-11-11. Review status: criteria provided, single submitter. Criteria: Invitae Variant Classification Sherloc (09022015). Collection method: clinical testing. Allele origin: germline.
Comment: This sequence change falls in intron 5 of the MSH6 gene. It does not directly change the encoded amino acid sequence of the MSH6 protein. It affects a nucleotide within the consensus splice site. This variant is present in population databases (no rsID available, gnomAD 0.002%). This variant has been observed in individual(s) with colorectal cancer (PMID: 20028993). ClinVar contains an entry for this variant (Variation ID: 428415). Variants that disrupt the consensus splice site are a relatively common cause of aberrant splicing (PMID: 17576681, 9536098). Studies have shown that this variant is associated with inconclusive levels of altered splicing (internal data). In summary, the available evidence is currently insufficient to determine the role of this variant in disease. Therefore, it has been classified as a Variant of Uncertain Significance.

GeneDx
Classification: Uncertain significance. Last evaluated: 2024-08-15. Review status: criteria provided, single submitter. Criteria: GeneDx Variant Classification Process June 2021. Collection method: clinical testing. Allele origin: germline. Affected: yes.
Comment: RNA studies demonstrate a damaging effect: results in both wildtype transcripts and transcripts showing skipping of exon 5, the clinical significance of which is uncertain (External communication with Ambry Genetics); In silico analysis suggests this variant may impact gene splicing; Identified in an individual with a personal and/or family history suspicious for Lynch syndrome (PMID: 20028993); Not observed at significant frequency in large population cohorts (gnomAD); This variant is associated with the following publications: (PMID: 20028993)

Blueprint Genetics
Classification: Uncertain significance. Last evaluated: 2022-07-13. Review status: criteria provided, single submitter. Criteria: ACMG Guidelines, 2015. Collection method: clinical testing. Allele origin: germline.

Department of Pathology and Laboratory Medicine, Sinai Health System
Classification: Uncertain significance for Endometrial carcinoma. Review status: no assertion criteria provided. Collection method: clinical testing. Allele origin: unknown. Affected: yes. Study: The Canadian Open Genetics Repository (COGR). Not counted in ClinVar's aggregate classification.
Comment: The MSH6 c.3438+2dup variant was identified in 1 of 226 proband chromosomes (frequency: 0.004) from individuals or families with CRC/Lynch syndrome (Baglietto 2010). The variant was also identified in dbSNP (ID: rs1352623252) as â€šÃ„ÃºNAâ€šÃ„Ã¹, and ClinVar (classified uncertain significance by Invitae and Ambry Genetics). The variant was not identified in UMD-LSDB. The variant was identified in control databases in 2 of 251072 chromosomes at a frequency of 0.000008 (Genome Aggregation Database Feb 27, 2017), observed in the following population: European (non-Finnish) in 2 of 113568 chromosomes (freq: 0.00002), while not observed in the South Asian, Other, Latino, European (Finnish), East Asian, Ashkenazi Jewish, and African populations. The c.3438+2dup variant is predicted to cause abnormal splicing because the nucleotide substitution occurs in the invariant region of the splice consensus sequence. In addition, 5 of 5 in silico or computational prediction software programs (SpliceSiteFinder, MaxEntScan, NNSPLICE, GeneSplicer, HumanSpliceFinder) predict a greater than 10% difference in splicing; however, due to a lack of published transcriptional studies, this finding cannot be confirmed. In summary, based on the above information the clinical significance of this variant cannot be determined with certainty at this time. This variant is classified as a variant of uncertain significance.

Literature cited by the submitters: PubMed 20028993 (cited by Ambry Genetics and Labcorp Genetics (formerly Invitae), Labcorp); PubMed 17576681 (cited by Labcorp Genetics (formerly Invitae), Labcorp); PubMed 9536098 (cited by Labcorp Genetics (formerly Invitae), Labcorp).

NM_000179.3(MSH6):c.3438+2dup

Gene: MSH6 (mutS homolog 6; plus strand). Cytogenetic location: 2p16.3.
Variant type: Duplication.
Coding change: c.3438+2dup on transcript NM_000179.3 (MANE Select); the canonical splice donor site of the intron after coding-DNA position 3438, one base duplicated (T; older notation c.3438+2dupT).
Molecular consequence: splice donor variant.
Genome position (GRCh38, 1-based): chr2:47,803,687, T duplicated. VCF-style (leftmost placement, unchanged base first): chr2-47803686-G-GT. GRCh37 (hg19) VCF-style: chr2-48030825-G-GT.
Other names: c.2532+2dup (NM_001281493.2, NM_001281494.2); c.3048+2dup (NM_001281492.2); c.3438+2dupT (NM_000179.2).
Identifiers: ClinVar variation 428415 (VCV000428415.20), dbSNP rs1114167778, ClinGen allele CA532705651.